The following is an entry in ClinVar:

NM_000455.5(STK11):c.921-8G>C

Gene: STK11 (serine/threonine kinase 11; plus strand). Cytogenetic location: 19p13.3.
Variant type: single nucleotide variant.
Coding change: c.921-8G>C on transcript NM_000455.5 (MANE Select); 8 bases into the intron before coding-DNA position 921, G replaced by C.
Molecular consequence: intron variant.
Genome position (GRCh38, 1-based): chr19:1,222,977, G>C. VCF-style: chr19-1222977-G-C. GRCh37 (hg19) VCF-style: chr19-1222976-G-C.
Identifiers: ClinVar variation 956434 (VCV000956434.10), dbSNP rs863224362, ClinGen allele CA1139666159.
Genomic context (GRCh38, chr19:1,222,977, plus strand): 5'-GCTGGGTCGGAAAACTGGACCGCCCTGGTGCCAGCCTGACAGGCGCCACTGCTTCTGGGC[G>C]TTTGCAGCTGGTTCCGGAAGAAACATCCTCCGGCTGAAGCACCAGTGCCCATCCCACCGA-3'

ClinVar aggregate classification (germline): Likely benign. Review status: criteria provided, multiple submitters, no conflicts (2 of 4 stars). 2 submissions from 2 submitters: Likely benign (2). Last evaluated 2025-03-28.

Conditions:
Peutz-Jeghers syndrome (PJS). Also called: POLYPOSIS, HAMARTOMATOUS INTESTINAL; POLYPS-AND-SPOTS SYNDROME; Peutz-Jeghers polyposis; Periorificial lentiginosis syndrome. Identifiers: Orphanet 2869, MedGen C0031269, MeSH D010580, MONDO:0008280, OMIM 175200.

Submissions (2):

Myriad Genetics, Inc.
Classification: Likely benign for Peutz-Jeghers syndrome. Last evaluated: 2025-03-28. Review status: criteria provided, single submitter. Criteria: Myriad Autosomal Dominant, Autosomal Recessive and X-Linked Classification Criteria (2023). Collection method: clinical testing. Allele origin: unknown.
Comment: This variant is considered likely benign. This variant is intronic and is not expected to impact mRNA splicing.

Labcorp Genetics (formerly Invitae), Labcorp
Classification: Likely benign for Peutz-Jeghers syndrome. Last evaluated: 2024-02-17. Review status: criteria provided, single submitter. Criteria: Invitae Variant Classification Sherloc (09022015). Collection method: clinical testing. Allele origin: germline.